The following is an entry in ClinVar:

ClinVar aggregate classification (germline): Pathogenic (1 of 4 stars; one submission).

Submission:

Labcorp Genetics (formerly Invitae), Labcorp
Classification: Pathogenic. Last evaluated: 2020-08-21. Review status: criteria provided, single submitter. Criteria: Invitae Variant Classification Sherloc (09022015). Collection method: clinical testing. Allele origin: germline.
Comment: This variant is a gross deletion of the genomic region encompassing exon(s) 1-2 of the LMX1B gene, which includes the initiator codon. The 5' end of this event is unknown as it extends beyond the assayed region for this gene and therefore may encompass additional genes. The 3' boundary is likely confined to intron 2 of the LMX1B gene. This is expected to result in an absent or disrupted protein product. This variant has not been reported in the literature in individuals with LMX1B-related conditions. Loss-of-function variants in LMX1B are known to be pathogenic (PMID: 9590287, 15498463). For these reasons, this variant has been classified as Pathogenic.

Literature cited by the submitters: PubMed 9590287; PubMed 15498463.

NC_000009.11:g.(?_129376729)_(129377858_?)del

Gene: LMX1B (LIM homeobox transcription factor 1 beta; plus strand). Cytogenetic location: 9q33.3.
Variant type: Deletion.
Identifiers: ClinVar variation 1072237 (VCV001072237.1).